The following is an entry in ClinVar:

NM_000093.5(COL5A1):c.5326T>C (p.Tyr1776His)

Genes: COL5A1 (collagen type V alpha 1 chain; plus strand), LOC101448202 (uncharacterized LOC101448202; minus strand). Cytogenetic location: 9q34.3.
Variant type: single nucleotide variant.
Coding change: c.5326T>C on transcript NM_000093.5 (MANE Select); coding-DNA position 5326, T replaced by C.
Protein change: p.Tyr1776His; replaces tyrosine 1776 with histidine.
Molecular consequence: missense variant.
Genome position (GRCh38, 1-based): chr9:134,835,160, T>C. VCF-style: chr9-134835160-T-C. GRCh37 (hg19) VCF-style: chr9-137727006-T-C.
Other names: c.5326T>C, p.Tyr1776His (NM_001278074.1); c.5326T>C (NM_000093.3); short protein forms Y1776H.
Identifiers: ClinVar variation 653937 (VCV000653937.54), dbSNP rs778249693, ClinGen allele CA5320689.

ClinVar aggregate classification (germline): Conflicting classifications of pathogenicity. Review status: criteria provided, conflicting classifications (1 of 4 stars). 3 submissions from 3 submitters: Uncertain significance (2); Likely benign (1). Last evaluated 2025-08-24.

Conditions:
Ehlers-Danlos syndrome, classic type, 1 (EDSCL1). Also called: EDS I; EHLERS-DANLOS SYNDROME, GRAVIS TYPE; EHLERS-DANLOS SYNDROME, SEVERE CLASSIC TYPE; Ehlers-Danlos Syndrome, Classic Type, COL5A1-Related; Ehlers-Danlos syndrome, type 1. Identifiers: MedGen C0268335, MONDO:0019567, OMIM 130000.

Allele frequency attached by ClinVar (database versions not stated): gnomAD exomes 0.00003 and 0.00006; ExAC 0.00009; gnomAD 0.00001 and 0.00003.
gnomAD v4.1: 48 of 1,613,708 alleles (0.003%); highest among the groups gnomAD compares: South Asian, 0.049%; no homozygotes.

Submissions (3):

Labcorp Genetics (formerly Invitae), Labcorp
Classification: Likely benign for Ehlers-Danlos syndrome, classic type, 1. Last evaluated: 2025-08-24. Review status: criteria provided, single submitter. Criteria: Invitae Variant Classification Sherloc (09022015). Collection method: clinical testing. Allele origin: germline.

ARUP Laboratories, Molecular Genetics and Genomics, ARUP Laboratories
Classification: Uncertain significance. Last evaluated: 2021-10-08. Review status: criteria provided, single submitter. Criteria: ARUP Molecular Germline Variant Investigation Process 2021. Collection method: clinical testing. Allele origin: germline.
Comment: The COL5A1 c.5326T>C; p.Tyr1776His variant (rs778249693), to our knowledge, is not reported in the medical literature but is reported in the ClinVar database (Variation ID: 653937). The variant is found in the South Asian population with an allele frequency of 0.05% (15/30,614 alleles) in the Genome Aggregation Database. The tyrosine at codon 1776 is highly conserved, but computational analyses are uncertain whether this variant is neutral or deleterious (REVEL: 0.232). Due to limited information, the clinical significance of the p.Tyr1776His variant is uncertain at this time.

GeneDx
Classification: Uncertain significance. Last evaluated: 2019-03-05. Review status: criteria provided, single submitter. Criteria: GeneDx Variant Classification Process June 2021. Collection method: clinical testing. Allele origin: germline. Affected: yes.
Comment: In silico analysis, which includes protein predictors and evolutionary conservation, supports that this variant does not alter protein structure/function; Has not been previously published as pathogenic or benign to our knowledge; Is not located in the triple helical region, where the majority of pathogenic missense variants occur (Stenson et al., 2014).